The following is an entry in ClinVar:

ClinVar aggregate classification (germline): Uncertain significance (1 of 4 stars; one submission).

Conditions:
Early-infantile DEE. Also called: Early infantile epileptic encephalopathy with suppression bursts; Early infantile epileptic encephalopathy; Ohtahara syndrome. Identifiers: Orphanet 1934, MedGen C0393706, MONDO:0800491.

gnomAD v4.1: 4 of 1,614,008 alleles (0.00025%); highest among the groups gnomAD compares: Non-Finnish European, 0.00034%; no homozygotes.

Submission:

Labcorp Genetics (formerly Invitae), Labcorp
Classification: Uncertain significance for Early-infantile DEE. Last evaluated: 2025-02-12. Review status: criteria provided, single submitter. Criteria: Invitae Variant Classification Sherloc (09022015). Collection method: clinical testing. Allele origin: germline.
Comment: This sequence change creates a premature translational stop signal (p.Glu814*) in the ARHGEF15 gene. While this is not anticipated to result in nonsense mediated decay, it is expected to disrupt the last 28 amino acid(s) of the ARHGEF15 protein. This variant is not present in population databases (gnomAD no frequency). This variant has not been reported in the literature in individuals affected with ARHGEF15-related conditions. ClinVar contains an entry for this variant (Variation ID: 1987892). Experimental studies and prediction algorithms are not available or were not evaluated, and the functional significance of this variant is currently unknown. In summary, the available evidence is currently insufficient to determine the role of this variant in disease. Therefore, it has been classified as a Variant of Uncertain Significance.

NM_173728.4(ARHGEF15):c.2440G>T (p.Glu814Ter)

Gene: ARHGEF15 (Rho guanine nucleotide exchange factor 15; plus strand). Cytogenetic location: 17p13.1.
Variant type: single nucleotide variant.
Coding change: c.2440G>T on transcript NM_173728.4 (MANE Select); coding-DNA position 2440, G replaced by T.
Protein change: p.Glu814Ter; replaces glutamic acid 814 with a stop codon.
Molecular consequence: nonsense.
Genome position (GRCh38, 1-based): chr17:8,320,907, G>T. VCF-style: chr17-8320907-G-T. GRCh37 (hg19) VCF-style: chr17-8224225-G-T.
Other names: c.2440G>T, p.Glu814Ter (NM_025014.2); short protein forms E814*.
Identifiers: ClinVar variation 1987892 (VCV001987892.4), dbSNP rs534121147, ClinGen allele CA398026028.